The following is an entry in ClinVar:

ClinVar aggregate classification (germline): Uncertain significance (1 of 4 stars; one submission).

Conditions:
Ehlers-Danlos syndrome, classic type, 1 (EDSCL1). Also called: Ehlers-Danlos Syndrome, Classic Type, COL5A1-Related; EHLERS-DANLOS SYNDROME, GRAVIS TYPE; EHLERS-DANLOS SYNDROME, SEVERE CLASSIC TYPE; Ehlers-Danlos syndrome, type 1; EDS I. Identifiers: MedGen C0268335, MONDO:0019567, OMIM 130000.

Submission:

Labcorp Genetics (formerly Invitae), Labcorp
Classification: Uncertain significance for Ehlers-Danlos syndrome, classic type, 1. Last evaluated: 2022-05-01. Review status: criteria provided, single submitter. Criteria: Invitae Variant Classification Sherloc (09022015). Collection method: clinical testing. Allele origin: germline.
Comment: In summary, the available evidence is currently insufficient to determine the role of this variant in disease. Therefore, it has been classified as a Variant of Uncertain Significance. Advanced modeling of protein sequence and biophysical properties (such as structural, functional, and spatial information, amino acid conservation, physicochemical variation, residue mobility, and thermodynamic stability) performed at Invitae indicates that this missense variant is not expected to disrupt COL5A1 protein function. This variant has not been reported in the literature in individuals affected with COL5A1-related conditions. This variant is not present in population databases (gnomAD no frequency). This sequence change replaces glutamic acid, which is acidic and polar, with lysine, which is basic and polar, at codon 1310 of the COL5A1 protein (p.Glu1310Lys).

NM_000093.5(COL5A1):c.3928G>A (p.Glu1310Lys)

Gene: COL5A1 (collagen type V alpha 1 chain; plus strand). Cytogenetic location: 9q34.3.
Variant type: single nucleotide variant.
Coding change: c.3928G>A on transcript NM_000093.5 (MANE Select); coding-DNA position 3928, G replaced by A.
Protein change: p.Glu1310Lys; replaces glutamic acid 1310 with lysine.
Molecular consequence: missense variant.
Genome position (GRCh38, 1-based): chr9:134,814,818, G>A. VCF-style: chr9-134814818-G-A. GRCh37 (hg19) VCF-style: chr9-137706664-G-A.
Other names: c.3928G>A, p.Glu1310Lys (NM_001278074.1); short protein forms E1310K.
Identifiers: ClinVar variation 2132538 (VCV002132538.4), dbSNP rs1186719470, ClinGen allele CA375456014.